The following is an entry in ClinVar:

NM_019842.4(KCNQ5):c.1964C>G (p.Ser655Cys)

Gene: KCNQ5 (potassium voltage-gated channel subfamily Q member 5; plus strand). Cytogenetic location: 6q13.
Variant type: single nucleotide variant.
Coding change: c.1964C>G on transcript NM_019842.4 (MANE Select); coding-DNA position 1964, C replaced by G.
Protein change: p.Ser655Cys; replaces serine 655 with cysteine.
Molecular consequence: missense variant.
Genome position (GRCh38, 1-based): chr6:73,194,579, C>G. VCF-style: chr6-73194579-C-G. GRCh37 (hg19) VCF-style: chr6-73904302-C-G.
Other names: c.1937C>G, p.Ser646Cys (NM_001160130.2); c.1994C>G, p.Ser665Cys (NM_001160132.2); c.2021C>G, p.Ser674Cys (NM_001160133.2); c.1634C>G, p.Ser545Cys (NM_001160134.2); short protein forms S545C, S646C, S655C, S665C, S674C.
Identifiers: ClinVar variation 3361093 (VCV003361093.1).

ClinVar aggregate classification (germline): Uncertain significance (1 of 4 stars; one submission).

gnomAD v4.1: 1 of 1,614,092 alleles (0.000062%); highest among the groups gnomAD compares: African/African-American, 0.0013%; no homozygotes.

Submission:

GeneDx
Classification: Uncertain significance. Last evaluated: 2023-07-20. Review status: criteria provided, single submitter. Criteria: GeneDx Variant Classification Process June 2021. Collection method: clinical testing. Allele origin: germline. Affected: yes.
Comment: Not observed at significant frequency in large population cohorts (gnomAD); In silico analysis supports that this missense variant has a deleterious effect on protein structure/function; Has not been previously published as pathogenic or benign to our knowledge